The following is an entry in ClinVar:

ClinVar aggregate classification (germline): Conflicting classifications of pathogenicity. Review status: criteria provided, conflicting classifications (1 of 4 stars). 3 submissions from 3 submitters: Pathogenic (1); Likely pathogenic (1); Uncertain significance (1). Last evaluated 2025-09-29.

Conditions:
Joubert syndrome 8 (JBTS8). Identifiers: Orphanet 475, MedGen C2676771, MONDO:0012855, OMIM 612291.

Allele frequency attached by ClinVar (database versions not stated): gnomAD exomes below 0.00001 and 0.00001; ExAC 0.00001; gnomAD 0.00003; TOPMed 0.00003.
gnomAD v4.1: 10 of 1,604,522 alleles (0.00062%); highest among the groups gnomAD compares: Admixed American, 0.0068%; no homozygotes.

Submissions (3):

Labcorp Genetics (formerly Invitae), Labcorp
Classification: Likely pathogenic for Joubert syndrome 8. Last evaluated: 2025-09-29. Review status: criteria provided, single submitter. Criteria: Invitae Variant Classification Sherloc (09022015). Collection method: clinical testing. Allele origin: germline.
Comment: This sequence change replaces asparagine, which is neutral and polar, with serine, which is neutral and polar, at codon 154 of the ARL13B protein (p.Asn154Ser). This variant is present in population databases (rs758972393, gnomAD 0.0009%). This missense change has been observed in individual(s) with Joubert syndrome (PMID: 26092869). ClinVar contains an entry for this variant (Variation ID: 217552). Invitae Evidence Modeling of protein sequence and biophysical properties (such as structural, functional, and spatial information, amino acid conservation, physicochemical variation, residue mobility, and thermodynamic stability) indicates that this missense variant is expected to disrupt ARL13B protein function with a positive predictive value of 80%. Algorithms developed to predict the effect of sequence changes on RNA splicing suggest that this variant may disrupt the consensus splice site. In summary, the currently available evidence indicates that the variant is pathogenic, but additional data are needed to prove that conclusively. Therefore, this variant has been classified as Likely Pathogenic.

Women's Health and Genetics/Laboratory Corporation of America, LabCorp
Classification: Uncertain significance. Last evaluated: 2022-07-27. Review status: criteria provided, single submitter. Criteria: LabCorp Variant Classification Summary - May 2015. Collection method: clinical testing. Allele origin: germline.
Comment: Variant summary: ARL13B c.461A>G (p.Asn154Ser) results in a conservative amino acid change in the encoded protein sequence. Four of five in-silico tools predict a damaging effect of the variant on protein function. The variant allele was found at a frequency of 8.2e-06 in 244580 control chromosomes (gnomAD). The available data on variant occurrences in the general population are insufficient to allow any conclusion about variant significance. c.461A>G has been reported in the literature in at least one compound heterozygous individual affected with Joubert Syndrome (e.g.Bachmann-Gagescu_2015). To our knowledge, no experimental evidence demonstrating an impact on protein function has been reported. Two submitters have provided clinical-significance assessments for this variant to ClinVar after 2014 without evidence for independent evaluation and classified the variant as pathogenic (n=1)/likely pathogenic (n=1). Based on the evidence outlined above, the variant was classified as uncertain significance.

UW Hindbrain Malformation Research Program, University of Washington
Classification: Pathogenic for Joubert syndrome 8. Last evaluated: 2015-02-23. Review status: criteria provided, single submitter. Criteria: Bachmann-Gagescu et al. (J Med Genet. 2015). Collection method: research. Allele origin: unknown. Affected: yes.

Literature cited by the submitters: PubMed 26092869 (cited by Labcorp Genetics (formerly Invitae), Labcorp and Women's Health and Genetics/Laboratory Corporation of America, LabCorp).

NM_001174150.2(ARL13B):c.461A>G (p.Asn154Ser)

Gene: ARL13B (ARF like GTPase 13B; plus strand). Cytogenetic location: 3q11.2.
Variant type: single nucleotide variant.
Coding change: c.461A>G on transcript NM_001174150.2 (MANE Select); coding-DNA position 461, A replaced by G.
Protein change: p.Asn154Ser; replaces asparagine 154 with serine.
Molecular consequence: missense variant. On other transcripts: non-coding transcript variant (2).
Genome position (GRCh38, 1-based): chr3:94,035,411, A>G. VCF-style: chr3-94035411-A-G. GRCh37 (hg19) VCF-style: chr3-93754255-A-G.
Other names: c.152A>G, p.Asn51Ser (NM_001174151.2); c.416A>G, p.Asn139Ser (NM_001321328.2); c.140A>G, p.Asn47Ser (NM_144996.4); c.461A>G, p.Asn154Ser (NM_182896.3); short protein forms N154S, N51S, N139S, N47S.
Identifiers: ClinVar variation 217552 (VCV000217552.9), dbSNP rs758972393, ClinGen allele CA277722.